The following is an entry in ClinVar:

NM_002691.4(POLD1):c.-2G>A

Gene: POLD1 (DNA polymerase delta 1, catalytic subunit; plus strand). Cytogenetic location: 19q13.33.
Variant type: single nucleotide variant.
Coding change: c.-2G>A on transcript NM_002691.4 (MANE Select); 2 bases upstream of the start codon, G replaced by A.
Molecular consequence: 5 prime UTR variant. On other transcripts: non-coding transcript variant (1).
Genome position (GRCh38, 1-based): chr19:50,384,390, G>A. VCF-style: chr19-50384390-G-A. GRCh37 (hg19) VCF-style: chr19-50887647-G-A.
Other names: c.-5G>A (NM_001256849.1, NM_001438210.1); c.-2G>A (NM_001438211.1); c.-147G>A (NM_001438212.1); c.-128G>A (NM_001438213.1).
Identifiers: ClinVar variation 4140994 (VCV004140994.1).

ClinVar aggregate classification (germline): Uncertain significance (1 of 4 stars; one submission).

Conditions:
Hereditary cancer-predisposing syndrome. Also called: Hereditary neoplastic syndrome; Neoplastic Syndromes, Hereditary; Tumor predisposition; Hereditary Cancer Syndrome. Identifiers: Orphanet 140162, MedGen C0027672, MeSH D009386, MONDO:0015356.

Submission:

Ambry Genetics
Classification: Uncertain significance for Hereditary cancer-predisposing syndrome. Last evaluated: 2025-07-07. Review status: criteria provided, single submitter. Criteria: Ambry Variant Classification Scheme 2023. Collection method: clinical testing. Allele origin: germline.
Comment: The c.-2G>A variant is located in the 5' untranslated region (5&rsquo; UTR) of the POLD1 gene. This variant results from a G to A substitution 2 bases upstream from the first translated codon. This nucleotide position is well conserved in available vertebrate species. Based on the available evidence, the clinical significance of this variant remains unclear.